The following is an entry in ClinVar:

ClinVar aggregate classification (germline): Uncertain significance (1 of 4 stars; one submission).

Conditions:
Hereditary spastic paraplegia 31. Also called: SPASTIC PARAPLEGIA 31, AUTOSOMAL DOMINANT. Identifiers: Orphanet 101011, MedGen C1853247, MONDO:0012453, OMIM 610250.

Allele frequency attached by ClinVar (database versions not stated): gnomAD 0.00001; gnomAD exomes 0.00002; ExAC 0.00003; TOPMed 0.00004; 1000 Genomes Project 30x 0.00016; 1000 Genomes Project 0.00020.
gnomAD v4.1: 37 of 1,611,306 alleles (0.0023%); highest among the groups gnomAD compares: South Asian, 0.0088%; no homozygotes.

Submission:

Labcorp Genetics (formerly Invitae), Labcorp
Classification: Uncertain significance for Hereditary spastic paraplegia 31. Last evaluated: 2025-06-27. Review status: criteria provided, single submitter. Criteria: Invitae Variant Classification Sherloc (09022015). Collection method: clinical testing. Allele origin: germline.
Comment: This sequence change replaces proline, which is neutral and non-polar, with leucine, which is neutral and non-polar, at codon 172 of the REEP1 protein (p.Pro172Leu). This variant is present in population databases (rs201154881, gnomAD 0.01%). This variant has not been reported in the literature in individuals affected with REEP1-related conditions. ClinVar contains an entry for this variant (Variation ID: 2200010). An algorithm developed to predict the effect of missense changes on protein structure and function (PolyPhen-2) suggests that this variant is likely to be disruptive. In summary, the available evidence is currently insufficient to determine the role of this variant in disease. Therefore, it has been classified as a Variant of Uncertain Significance.

NM_001371279.1(REEP1):c.515C>T (p.Pro172Leu)

Gene: REEP1 (receptor accessory protein 1; minus strand). Cytogenetic location: 2p11.2.
Variant type: single nucleotide variant.
Coding change: c.515C>T on transcript NM_001371279.1 (MANE Select); coding-DNA position 515, C replaced by T.
Protein change: p.Pro172Leu; replaces proline 172 with leucine.
Molecular consequence: missense variant. On other transcripts: intron variant (1).
Genome position (GRCh38, 1-based): chr2:86,232,705, G>A on the plus strand (C>T on the coding strand, the complement: REEP1 is on the minus strand). VCF-style: chr2-86232705-G-A. GRCh37 (hg19) VCF-style: chr2-86459828-G-A.
Other names: c.536C>T, p.Pro179Leu (NM_001164730.2); c.434C>T, p.Pro145Leu (NM_001164731.2); c.280C>T, p.His94Tyr (NM_001164732.2); c.515C>T, p.Pro172Leu (NM_001410855.1, NM_001410856.1, NM_022912.3); c.418-15595C>T (NM_001371280.1); short protein forms P145L, P172L, H94Y, P179L.
Identifiers: ClinVar variation 2200010 (VCV002200010.4), dbSNP rs201154881, ClinGen allele CA1748696.
Genomic context (GRCh38, chr2:86,232,705, plus strand): 5'-GAAGCACTCCTGGACATCTTAGGCTGGCCGTGTTTGCCGCTGGCCCGCCCAGACCCCGGT[G>A]GTGGGGGGCCCGAGGGAGCAGGGGCGCCGTCTCCCCTGATGGTGGTGAGGTCCTGCATGC-3'
Protein context (NP_001358208.1, residues 162-182): DGAPAPSGPP[Pro172Leu]PGSGRASGKH